The following is an entry in ClinVar:

NM_001364171.2(ODAD1):c.1928C>T (p.Ala643Val)

Gene: ODAD1 (outer dynein arm docking complex subunit 1; minus strand). Cytogenetic location: 19q13.33.
Variant type: single nucleotide variant.
Coding change: c.1928C>T on transcript NM_001364171.2 (MANE Select); coding-DNA position 1928, C replaced by T.
Protein change: p.Ala643Val; replaces alanine 643 with valine.
Molecular consequence: missense variant.
Genome position (GRCh38, 1-based): chr19:48,297,172, G>A on the plus strand (C>T on the coding strand, the complement: ODAD1 is on the minus strand). VCF-style: chr19-48297172-G-A. GRCh37 (hg19) VCF-style: chr19-48800429-G-A.
Other names: c.1817C>T, p.Ala606Val (NM_144577.4); short protein forms A606V, A643V.
Identifiers: ClinVar variation 3302144 (VCV003302144.1).

ClinVar aggregate classification (germline): Uncertain significance (1 of 4 stars; one submission).

Conditions:
Primary ciliary dyskinesia. Also called: Ciliary dyskinesia. Identifiers: Orphanet 244, MedGen C0008780, MONDO:0016575, HP:0012265.

gnomAD v4.1: 6 of 1,614,036 alleles (0.00037%); highest among the groups gnomAD compares: Non-Finnish European, 0.00051%; no homozygotes.

Submission:

Ambry Genetics
Classification: Uncertain significance for Primary ciliary dyskinesia. Last evaluated: 2024-04-05. Review status: criteria provided, single submitter. Criteria: Ambry Variant Classification Scheme 2023. Collection method: clinical testing. Allele origin: germline.
Comment: The p.A606V variant (also known as c.1817C>T), located in coding exon 13 of the CCDC114 gene, results from a C to T substitution at nucleotide position 1817. The alanine at codon 606 is replaced by valine, an amino acid with similar properties. This amino acid position is conserved. In addition, this alteration is predicted to be tolerated by in silico analysis. Based on the available evidence, the clinical significance of this variant remains unclear.